The following is an entry in ClinVar:

NM_001384732.1(CPLANE1):c.8110C>T (p.Gln2704Ter)

Gene: CPLANE1 (ciliogenesis and planar polarity effector complex subunit 1; minus strand). Cytogenetic location: 5p13.2.
Variant type: single nucleotide variant.
Coding change: c.8110C>T on transcript NM_001384732.1 (MANE Select); coding-DNA position 8110, C replaced by T.
Protein change: p.Gln2704Ter; replaces glutamine 2704 with a stop codon.
Molecular consequence: nonsense. On other transcripts: intron variant (1).
Genome position (GRCh38, 1-based): chr5:37,157,322, G>A on the plus strand (C>T on the coding strand, the complement: CPLANE1 is on the minus strand). VCF-style: chr5-37157322-G-A. GRCh37 (hg19) VCF-style: chr5-37157424-G-A.
Other names: c.7957+348C>T (NM_023073.4); short protein forms Q2704*.
Identifiers: ClinVar variation 2655429 (VCV002655429.24), dbSNP rs183703355, ClinGen allele CA3237868.
Genomic context (GRCh38, chr5:37,157,322, plus strand): 5'-AATACAACAGTAATTCAGGAGAGGGTCATGCTATACCTCTTGGCTGTTTACCTTTGTTCT[G>A]CTGTATGTCTGATGGTGTAGGTGAGGTGACACTAGGCTCCTTCACTTCTGTAATGCCTGC-3'

ClinVar aggregate classification (germline): Likely benign (1 of 4 stars; one submission).

Allele frequency attached by ClinVar (database versions not stated): ExAC 0.00522; TOPMed 0.00537; ESP Exome Variant Server 0.00680; gnomAD exomes 0.00738; 1000 Genomes Project 0.00100; 1000 Genomes Project 30x 0.00141; gnomAD 0.00488.
gnomAD v4.1: 9,673 of 1,366,434 alleles (0.71%); highest among the groups gnomAD compares: Non-Finnish European, 0.84%; 39 homozygotes.

Submission:

CeGaT Center for Human Genetics Tuebingen
Classification: Likely benign. Last evaluated: 2026-08-01. Review status: criteria provided, single submitter. Criteria: CeGaT Center For Human Genetics Tuebingen Variant Classification Criteria Version 2. Collection method: clinical testing. Allele origin: germline. Affected: yes. Observed: 29 variant alleles.
Comment: CPLANE1: BS2